The following is an entry in ClinVar:

NM_000717.5(CA4):c.716G>A (p.Arg239Gln)

Gene: CA4 (carbonic anhydrase 4; plus strand). Cytogenetic location: 17q23.1.
Variant type: single nucleotide variant.
Coding change: c.716G>A on transcript NM_000717.5 (MANE Select); coding-DNA position 716, G replaced by A.
Protein change: p.Arg239Gln; replaces arginine 239 with glutamine.
Molecular consequence: missense variant. On other transcripts: non-coding transcript variant (1).
Genome position (GRCh38, 1-based): chr17:60,158,418, G>A. VCF-style: chr17-60158418-G-A. GRCh37 (hg19) VCF-style: chr17-58235779-G-A.
Other names: short protein forms R239Q.
Identifiers: ClinVar variation 100559 (VCV000100559.15), dbSNP rs76995634, ClinGen allele CA228877.

ClinVar aggregate classification (germline): Benign. Review status: criteria provided, multiple submitters, no conflicts (2 of 4 stars). 3 submissions from 3 submitters: Benign (2). 1 of the submissions does not count toward it. Last evaluated 2026-02-01.

Conditions:
Retinitis pigmentosa (RP). Identifiers: Orphanet 791, MedGen C0035334, MeSH D012174, MONDO:0019200, OMIM 268000. Inheritance: Autosomal dominant, autosomal recessive and X linked inheritance.

Allele frequency attached by ClinVar (database versions not stated): gnomAD exomes 0.00089 and 0.00217; ExAC 0.00279; gnomAD 0.00739; 1000 Genomes Project 0.00819; 1000 Genomes Project 30x 0.00953; TOPMed 0.00992; ESP Exome Variant Server 0.01030.
gnomAD v4.1: 2,640 of 1,614,024 alleles (0.16%); highest among the groups gnomAD compares: African/African-American, 3%; 50 homozygotes.

Submissions (3):

Labcorp Genetics (formerly Invitae), Labcorp
Classification: Benign. Last evaluated: 2026-02-01. Review status: criteria provided, single submitter. Criteria: Invitae Variant Classification Sherloc (09022015). Collection method: clinical testing. Allele origin: germline.

Illumina Laboratory Services, Illumina
Classification: Benign for Retinitis pigmentosa. Last evaluated: 2018-01-13. Review status: criteria provided, single submitter. Criteria: ICSL Variant Classification Criteria 13 December 2019. Collection method: clinical testing. Allele origin: germline.
Comment: This variant was observed in the ICSL laboratory as part of a predisposition screen in an ostensibly healthy population. It had not been previously curated by ICSL or reported in the Human Gene Mutation Database (HGMD: prior to June 1st, 2018), and was therefore a candidate for classification through an automated scoring system. Utilizing variant allele frequency, disease prevalence and penetrance estimates, and inheritance mode, an automated score was calculated to assess if this variant is too frequent to cause the disease. Based on the score and internal cut-off values, a variant classified as benign is not then subjected to further curation. The score for this variant resulted in a classification of benign for this disease.

NEI Ophthalmic Genomics Laboratory, National Institutes of Health
No classification provided. Review status: no classification provided. Collection method: not provided. Allele origin: not provided. Not counted in ClinVar's aggregate classification.